The following is an entry in ClinVar:

ClinVar aggregate classification (germline): Likely benign (1 of 4 stars; one submission).

Allele frequency attached by ClinVar (database versions not stated): ExAC 0.00006; gnomAD 0.00011; TOPMed 0.00016.
gnomAD v4.1: 450 of 1,565,034 alleles (0.029%); highest among the groups gnomAD compares: Non-Finnish European, 0.037%; no homozygotes.

Submission:

Women's Health and Genetics/Laboratory Corporation of America, LabCorp
Classification: Likely benign. Last evaluated: 2023-11-15. Review status: criteria provided, single submitter. Criteria: LabCorp Variant Classification Summary - May 2015. Collection method: clinical testing. Allele origin: germline.
Comment: Variant summary: NUP188 c.2640+19C>A alters a non-conserved nucleotide located at a position not widely known to affect splicing. Consensus agreement among computation tools predict no significant impact on normal splicing. However, these predictions have yet to be confirmed by functional studies. The variant allele was found at a frequency of 0.0001 in 248518 control chromosomes. To our knowledge, no occurrence of c.2640+19C>A in individuals affected with Sandestig-Stefanova Syndrome and no experimental evidence demonstrating its impact on protein function have been reported. No submitters have cited clinical-significance assessments for this variant to ClinVar after 2014. Based on the evidence outlined above, the variant was classified as likely benign.

NM_015354.3(NUP188):c.2640+19C>A

Gene: NUP188 (nucleoporin 188; plus strand). Cytogenetic location: 9q34.11.
Variant type: single nucleotide variant.
Coding change: c.2640+19C>A on transcript NM_015354.3 (MANE Select); 19 bases into the intron after coding-DNA position 2640, C replaced by A.
Molecular consequence: intron variant.
Genome position (GRCh38, 1-based): chr9:128,990,245, C>A. VCF-style: chr9-128990245-C-A. GRCh37 (hg19) VCF-style: chr9-131752524-C-A.
Identifiers: ClinVar variation 2682548 (VCV002682548.1), dbSNP rs769483473, ClinGen allele CA5272714.